The following is an entry in ClinVar:

NM_001164508.2(NEB):c.23929-12_23929-11del

Genes: NEB (nebulin; minus strand), RIF1 (replication timing regulatory factor 1; plus strand). Cytogenetic location: 2q23.3.
Variant type: Deletion.
Coding change: c.23929-12_23929-11del on transcript NM_001164508.2 (MANE Select); 12 bases into the intron before coding-DNA position 23929 through 11 bases into the intron before coding-DNA position 23929, 2 bases deleted (TT; older notation c.23929-12_23929-11delTT).
Molecular consequence: intron variant.
Genome position (GRCh38, 1-based): chr2:151,501,494-151,501,495, AA deleted on the plus strand (TT on the coding strand, the reverse complement: NEB is on the minus strand); deleting any 2 consecutive bases within chr2:151,501,494-151,501,497 gives the same sequence; the c. name uses the placement nearest the transcript's 3' end. VCF-style (leftmost placement, unchanged base first): chr2-151501493-CAA-C. GRCh37 (hg19) VCF-style: chr2-152358007-CAA-C.
Other names: c.18825+1298_18825+1299del (NM_004543.5); c.23929-12_23929-11del (NM_001164507.2); c.24034-12_24034-11del (NM_001271208.2).
Identifiers: ClinVar variation 2109130 (VCV002109130.1), dbSNP rs2551908419, ClinGen allele CA2577119302.

ClinVar aggregate classification (germline): Uncertain significance (1 of 4 stars; one submission).

Conditions:
Nemaline myopathy 2 (NEM2). Also called: Nemaline myopathy 2, autosomal recessive. Identifiers: MedGen C1850569, MONDO:0009725, OMIM 256030.

Submission:

Labcorp Genetics (formerly Invitae), Labcorp
Classification: Uncertain significance for Nemaline myopathy 2. Last evaluated: 2022-03-26. Review status: criteria provided, single submitter. Criteria: Invitae Variant Classification Sherloc (09022015). Collection method: clinical testing. Allele origin: germline.
Comment: This sequence change falls in intron 168 of the NEB gene. It does not directly change the encoded amino acid sequence of the NEB protein. This variant is not present in population databases (gnomAD no frequency). This variant has not been reported in the literature in individuals affected with NEB-related conditions. Algorithms developed to predict the effect of sequence changes on RNA splicing suggest that this variant may disrupt the consensus splice site. In summary, the available evidence is currently insufficient to determine the role of this variant in disease. Therefore, it has been classified as a Variant of Uncertain Significance.